The following is an entry in ClinVar:

ClinVar aggregate classification (germline): Uncertain significance (1 of 4 stars; one submission).

Submission:

ISCA site 4
Classification: Uncertain significance. Last evaluated: 2011-08-12. Review status: criteria provided, single submitter. Criteria: Kaminsky et al. (Genet Med. 2011). Collection method: clinical testing. Allele origin: unknown. Affected: yes. Observed: 1 variant allele.
Comment: Copy number variation identified through the course of routine clinical cytogenomic testing in postnatal populations. Clinical assertions have been curated as described in Kaminsky et al. 2011.

GRCh38/hg38 1q43-44(chr1:243264206-243561717)x1

Genes: AKT3 (AKT serine/threonine kinase 3; minus strand), MIR4677 (microRNA 4677; plus strand), SDCCAG8 (SHH signaling and ciliogenesis regulator SDCCAG8; plus strand), LOC122152351 (Sharpr-MPRA regulatory region 8354; plus strand), LOC122152352 (Sharpr-MPRA regulatory region 5448; plus strand) and 2 more. Cytogenetic location: 1q43-44.
Variant type: copy number loss.
Change: copy number 1 (one copy instead of two) of chr1:243,264,206-243,561,717 (297.5 kb, GRCh38 coordinates, 1-based), cytogenetic band 1q43-44.
Identifiers: ClinVar variation 57342 (VCV000057342.1).